The following is an entry in ClinVar:

ClinVar aggregate classification (germline): Likely benign (1 of 4 stars; one submission).

Submission:

Laboratory for Molecular Medicine, Mass General Brigham Personalized Medicine
Classification: Likely benign. Last evaluated: 2012-12-06. Review status: criteria provided, single submitter. Criteria: LMM Criteria. Collection method: clinical testing. Allele origin: germline. Observed: 1 variant allele.
Comment: His155His in exon 2 of RBM20: This variant is not expected to have clinical sign ificance because it does not alter an amino acid residue and is not located with in the splice consensus sequence. His155His in exon 2 of RBM20 (allele frequenc y = n/a)

NM_001134363.3(RBM20):c.465T>C (p.His155=)

Gene: RBM20 (RNA binding motif protein 20; plus strand). Cytogenetic location: 10q25.2.
Variant type: single nucleotide variant.
Coding change: c.465T>C on transcript NM_001134363.3 (MANE Select); coding-DNA position 465, T replaced by C.
Protein change: p.His155=; no amino-acid change (histidine 155 retained).
Molecular consequence: synonymous variant.
Genome position (GRCh38, 1-based): chr10:110,781,074, T>C. VCF-style: chr10-110781074-T-C. GRCh37 (hg19) VCF-style: chr10-112540832-T-C.
Identifiers: ClinVar variation 44019 (VCV000044019.5), dbSNP rs397516620, ClinGen allele CA133393.
Genomic context (GRCh38, chr10:110,781,074, plus strand): 5'-TCAACTGAGGCATCCGTCTGTGATCACTGGCCCCCACGGCCATGCTGGGGTTCCCCAACA[T>C]GCTGCAGCCATACCCAGTACCCGGTTTCCCTCTAATGCAATTGCCTTTTCACCCCCCAGC-3'
Protein context (NP_001127835.2, residues 145-165): GPHGHAGVPQ[His155=]AAAIPSTRFP